The following is an entry in ClinVar:

NM_007294.4(BRCA1):c.3931_3934dup (p.Thr1312fs)

Genes: BRCA1 (BRCA1 DNA repair associated; minus strand), LOC126862571 (BRD4-independent group 4 enhancer GRCh37_chr17:41243136-41244335; plus strand). Cytogenetic location: 17q21.31.
Variant type: Duplication.
Coding change: c.3931_3934dup on transcript NM_007294.4 (MANE Select); coding-DNA positions 3931 to 3934, 4 bases duplicated (AACA; older notation c.3931_3934dupAACA).
Protein change: p.Thr1312fs; shifts the reading frame from threonine 1312.
Molecular consequence: frameshift variant. On other transcripts: intron variant (135).
Genome position (GRCh38, 1-based): chr17:43,091,597-43,091,600, TGTT duplicated on the plus strand (AACA on the coding strand, the reverse complement: BRCA1 is on the minus strand); duplicating any 4 consecutive bases within chr17:43,091,597-43,091,603 gives the same sequence; the c. name uses the placement nearest the transcript's 3' end. VCF-style (leftmost placement, unchanged base first): chr17-43091596-G-GTGTT. GRCh37 (hg19) VCF-style: chr17-41243613-G-GTGTT.
Other names: c.3931_3934dupAACA (NM_007294.3); c.3718_3721dup, p.Thr1241fs (NM_001407571.1, NM_001407897.1, NM_001407898.1 and 9 more transcripts); c.3931_3934dup, p.Thr1312fs (NM_001407581.1, NM_001407582.1, NM_001407598.1 and 30 more transcripts); c.3928_3931dup, p.Thr1311fs (NM_001407610.1, NM_001407611.1, NM_001407612.1 and 22 more transcripts); c.3922_3925dup, p.Thr1309fs (NM_001407646.1, NM_001407647.1); c.3808_3811dup, p.Thr1271fs (NM_001407648.1, NM_001407664.1, NM_001407665.1 and 19 more transcripts); c.3850_3853dup, p.Thr1285fs (NM_001407660.1, NM_001407661.1, NM_001407662.1 and 1 more transcripts); c.3853_3856dup, p.Thr1286fs (NM_001407663.1, NM_001407653.1, NM_001407654.1 and 4 more transcripts); and 42 more; short protein forms T1265fs, T1312fs, T1200fs, T1201fs, T1241fs, T1242fs, T1271fs, T1286fs.
Identifiers: ClinVar variation 232602 (VCV000232602.6), dbSNP rs80357864, ClinGen allele CA10580543.
Genomic context (GRCh38, chr17:43,091,596, plus strand): 5'-CCCTGGCTTTCAGACTGATGCCTCATTTGTTTGGAAGAACCAATCAAGAAAGGATCCTGG[G>GTGTT]TGTTTGTATTTGCAGTCAAGTCTTCCAATTCACTGCACTGTGAAGAAAACAAGCTAGCAG-3'

ClinVar aggregate classification (germline): Pathogenic. Review status: reviewed by expert panel (3 of 4 stars). 2 submissions from 2 submitters: Pathogenic (1). 1 of the submissions does not count toward it. Last evaluated 2017-12-15.

Conditions:
Hereditary cancer-predisposing syndrome. Also called: Tumor predisposition; Hereditary Cancer Syndrome; Neoplastic Syndromes, Hereditary; Hereditary neoplastic syndrome. Identifiers: Orphanet 140162, MedGen C0027672, MeSH D009386, MONDO:0015356.
Breast-ovarian cancer, familial, susceptibility to, 1 (BROVCA1). Also called: BRCA1 Hereditary Breast and Ovarian Cancer; OVARIAN CANCER, SUSCEPTIBILITY TO. Identifiers: Orphanet 145, MedGen C2676676, MONDO:0011450, OMIM 604370. Disease mechanism: loss of function.

Submissions (2):

Evidence-based Network for the Interpretation of Germline Mutant Alleles (ENIGMA)
Classification: Pathogenic for Breast-ovarian cancer, familial, susceptibility to, 1. Last evaluated: 2017-12-15. Review status: reviewed by expert panel. Criteria: ENIGMA BRCA1/2 Classification Criteria (2017-06-29). Collection method: curation. Allele origin: germline. Study: ENIGMA.
Comment: Variant allele predicted to encode a truncated non-functional protein.

Ambry Genetics
Classification: Pathogenic for Hereditary cancer-predisposing syndrome. Last evaluated: 2018-03-14. Review status: criteria provided, single submitter. Criteria: Ambry Variant Classification Scheme 2023. Collection method: clinical testing. Allele origin: germline. Not counted in ClinVar's aggregate classification.
Comment: The c.3931_3934dupAACA pathogenic mutation, located in coding exon 9 of the BRCA1 gene, results from a duplication of AACA at nucleotide position 3931, causing a translational frameshift with a predicted alternate stop codon (p.T1312Kfs*19). This alteration is expected to result in loss of function by premature protein truncation or nonsense-mediated mRNA decay. As such, this alteration is interpreted as a disease-causing mutation.